The following is an entry in ClinVar:

ClinVar aggregate classification (germline): Uncertain significance (1 of 4 stars; one submission).

Submission:

Labcorp Genetics (formerly Invitae), Labcorp
Classification: Uncertain significance. Last evaluated: 2022-10-05. Review status: criteria provided, single submitter. Criteria: Invitae Variant Classification Sherloc (09022015). Collection method: clinical testing. Allele origin: germline.
Comment: This sequence change creates a premature translational stop signal (p.Tyr185Cysfs*5) in the PPCS gene. While this is not anticipated to result in nonsense mediated decay, it is expected to disrupt the last 127 amino acid(s) of the PPCS protein. This variant is not present in population databases (gnomAD no frequency). This variant has not been reported in the literature in individuals affected with PPCS-related conditions. Experimental studies and prediction algorithms are not available or were not evaluated, and the functional significance of this variant is currently unknown. In summary, the available evidence is currently insufficient to determine the role of this variant in disease. Therefore, it has been classified as a Variant of Uncertain Significance.

NM_024664.4(PPCS):c.554_555del (p.Tyr185fs)

Genes: CCDC30 (coiled-coil domain containing 30; plus strand), PPCS (phosphopantothenoylcysteine synthetase; plus strand). Cytogenetic location: 1p34.2.
Variant type: Deletion.
Coding change: c.554_555del on transcript NM_024664.4 (MANE Select); coding-DNA positions 554 to 555, 2 bases deleted (AT; older notation c.554_555delAT).
Protein change: p.Tyr185fs; shifts the reading frame from tyrosine 185.
Molecular consequence: frameshift variant. On other transcripts: 5 prime UTR variant (2).
Genome position (GRCh38, 1-based): chr1:42,457,292-42,457,293, AT deleted; deleting any 2 consecutive bases within chr1:42,457,291-42,457,293 gives the same sequence; the c. name uses the placement nearest the transcript's 3' end. VCF-style (leftmost placement, unchanged base first): chr1-42457290-CTA-C. GRCh37 (hg19) VCF-style: chr1-42922961-CTA-C.
Other names: c.-938_-937del (NM_001355226.2); c.35_36del, p.Tyr12fs (NM_001077447.3, NM_001287506.1, NM_001287508.2 and 2 more transcripts); c.-282_-281del (NM_001287507.1); c.554_555del, p.Tyr185fs (NM_001287511.2); short protein forms Y12fs, Y185fs.
Identifiers: ClinVar variation 2078426 (VCV002078426.4), dbSNP rs1466032415, ClinGen allele CA735922306.